The following is an entry in ClinVar:

ClinVar aggregate classification (germline): Conflicting classifications of pathogenicity. Review status: criteria provided, conflicting classifications (1 of 4 stars). 5 submissions from 5 submitters: Uncertain significance (2); Likely benign (1). 2 of the submissions do not count toward it. Last evaluated 2025-11-24.

Conditions:
Duchenne muscular dystrophy (DMD). Also called: Duchenne Muscular Dystrophy (DMD); MUSCULAR DYSTROPHY, PSEUDOHYPERTROPHIC PROGRESSIVE, DUCHENNE TYPE. Identifiers: Orphanet 98896, MedGen C0013264, MONDO:0010679, OMIM 310200.
DMD-related disorder. Also called: DMD-related condition.
Dystrophin deficiency.
Cardiomyopathy (CMYO). Also called: Cardiomyopathies. Identifiers: Orphanet 167848, MedGen C0878544, MONDO:0004994, HP:0001638. Inheritance: Various modes of inheritance.
Becker muscular dystrophy (BMD). Also called: Becker Muscular Dystrophy (BMD); MUSCULAR DYSTROPHY, PSEUDOHYPERTROPHIC PROGRESSIVE, BECKER TYPE. Identifiers: Orphanet 98895, MedGen C0917713, MONDO:0010311, OMIM 300376.
Cardiovascular phenotype. Identifiers: MedGen CN230736.

Allele frequency attached by ClinVar (database versions not stated): TOPMed 0.00003; ESP Exome Variant Server 0.00009.
gnomAD v4.1: 10 of 1,207,202 alleles (0.00083%); highest among the groups gnomAD compares: African/African-American, 0.012%; no homozygotes.

Submissions (5):

Labcorp Genetics (formerly Invitae), Labcorp
Classification: Likely benign for Duchenne muscular dystrophy. Last evaluated: 2025-11-24. Review status: criteria provided, single submitter. Criteria: Invitae Variant Classification Sherloc (09022015). Collection method: clinical testing. Allele origin: germline.

Ambry Genetics
Classification: Uncertain significance for Cardiovascular phenotype. Last evaluated: 2024-10-16. Review status: criteria provided, single submitter. Criteria: Ambry Variant Classification Scheme 2023. Collection method: clinical testing. Allele origin: germline.
Comment: The p.A3118T variant (also known as c.9352G>A), located in coding exon 64 of the DMD gene, results from a G to A substitution at nucleotide position 9352. The alanine at codon 3118 is replaced by threonine, an amino acid with similar properties. This variant was described in a Duchenne/Becker muscular dystrophy cohort; however, clinical details were not provided (Kim MJ et al. J Mol Diagn, 2016 Mar;18:253-9). This amino acid position is highly conserved in available vertebrate species. In addition, the in silico prediction for this alteration is inconclusive. Based on data from gnomAD, the A allele has an overall frequency of 0.0011% (2/183500) total alleles studied, with 1 hemizygote(s) observed. The highest observed frequency was 0.0076% (1/13161) of African/African American alleles. Based on the available evidence, the clinical significance of this variant remains unclear.

ARUP Laboratories, Molecular Genetics and Genomics, ARUP Laboratories
Classification: Uncertain significance. Last evaluated: 2019-02-09. Review status: criteria provided, single submitter. Criteria: ARUP Molecular Germline Variant Investigation Process. Collection method: clinical testing. Allele origin: germline.
Comment: The DMD c.9352G>A; p.Ala3118Thr variant (rs200928985), to our knowledge, is not reported in the medical literature but is reported as a variant of uncertain significance in ClinVar (Variation ID: 520520). This variant is found in the Genome Aggregation Database on 2 out of 183,500 alleles, including 1 hemizygote. The alanine at codon 3118 is moderately conserved and computational analyses (SIFT: tolerated, PolyPhen-2: probably damaging) predict conflicting effects of this variant on protein structure/function. Due to limited information, the clinical significance of the p.Ala3118Thr variant is uncertain at this time.

PreventionGenetics, part of Exact Sciences
Classification: Uncertain significance for DMD-related condition. Last evaluated: 2024-07-04. Review status: no assertion criteria provided. Collection method: clinical testing. Allele origin: germline. Not counted in ClinVar's aggregate classification.
Comment: The DMD c.9352G>A variant is predicted to result in the amino acid substitution p.Ala3118Thr. This variant has been reported in a cohort of individuals suspected of Duchenne muscular dystrophy or Becker muscular dystrophy; however, detailed clinical information was not available (Kim et al. 2016. PubMed ID: 26743743). This variant is reported in 0.0076% of alleles in individuals of African descent in gnomAD, including one hemizygote in the database. At this time, the clinical significance of this variant is uncertain due to the absence of conclusive functional and genetic evidence.

Natera, Inc.
Classification: Uncertain significance for Becker muscular dystrophy; Cardiomyopathy; Duchenne muscular dystrophy; Dystrophin deficiency. Last evaluated: 2019-07-10. Review status: no assertion criteria provided. Collection method: clinical testing. Allele origin: germline. Not counted in ClinVar's aggregate classification.

Literature cited by the submitters: PubMed 26743743 (cited by Ambry Genetics).

NM_004006.3(DMD):c.9352G>A (p.Ala3118Thr)

Gene: DMD (dystrophin; minus strand). Cytogenetic location: Xp21.2.
Variant type: single nucleotide variant.
Coding change: c.9352G>A on transcript NM_004006.3 (MANE Select); coding-DNA position 9352, G replaced by A.
Protein change: p.Ala3118Thr; replaces alanine 3118 with threonine.
Molecular consequence: missense variant.
Genome position (GRCh38, 1-based): chrX:31,223,056, C>T on the plus strand (G>A on the coding strand, the complement: DMD is on the minus strand). VCF-style: chrX-31223056-C-T. GRCh37 (hg19) VCF-style: chrX-31241173-C-T.
Other names: c.9328G>A, p.Ala3110Thr (NM_000109.4); c.9340G>A, p.Ala3114Thr (NM_004009.3); c.8983G>A, p.Ala2995Thr (NM_004010.3); c.5329G>A, p.Ala1777Thr (NM_004011.4); c.5320G>A, p.Ala1774Thr (NM_004012.4); c.1972G>A, p.Ala658Thr (NM_004013.3, NM_004020.4, NM_004021.3 and 2 more transcripts); c.1165G>A, p.Ala389Thr (NM_004014.3); c.148G>A, p.Ala50Thr (NM_004015.3, NM_004016.3, NM_004017.3 and 2 more transcripts); short protein forms A1774T, A1777T, A2995T, A3110T, A3114T, A3118T, A389T, A50T.
Identifiers: ClinVar variation 811289 (VCV000811289.20), dbSNP rs200928985, ClinGen allele CA328409358.